The following is an entry in ClinVar:

ClinVar aggregate classification (germline): Likely benign (1 of 4 stars; one submission).

gnomAD v4.1: 598 of 1,613,738 alleles (0.037%); highest among the groups gnomAD compares: African/African-American, 0.72%; 1 homozygote.

Submission:

Mayo Clinic Laboratories, Mayo Clinic
Classification: Likely benign. Last evaluated: 2025-11-04. Review status: criteria provided, single submitter. Criteria: ACMG Guidelines, 2015. Collection method: clinical testing. Allele origin: germline. Observed: 6 variant alleles.
Comment: BP4, BP7

NM_005689.4(ABCB6):c.*2A>G

Gene: ABCB6 (ATP binding cassette subfamily B member 6 (LAN blood group); minus strand). Cytogenetic location: 2q35.
Variant type: single nucleotide variant.
Coding change: c.*2A>G on transcript NM_005689.4 (MANE Select); 2 bases downstream of the stop codon, A replaced by G.
Molecular consequence: 3 prime UTR variant.
Genome position (GRCh38, 1-based): chr2:219,209,936, T>C on the plus strand (A>G on the coding strand, the complement: ABCB6 is on the minus strand). VCF-style: chr2-219209936-T-C. GRCh37 (hg19) VCF-style: chr2-220074658-T-C.
Other names: c.*2A>G (NM_001349828.2).
Identifiers: ClinVar variation 4684641 (VCV004684641.1).